The following is an entry in ClinVar:

NM_007347.5(AP4E1):c.1694C>A (p.Ala565Glu)

Gene: AP4E1 (adaptor related protein complex 4 subunit epsilon 1; plus strand). Cytogenetic location: 15q21.2.
Variant type: single nucleotide variant.
Coding change: c.1694C>A on transcript NM_007347.5 (MANE Select); coding-DNA position 1694, C replaced by A.
Protein change: p.Ala565Glu; replaces alanine 565 with glutamic acid.
Molecular consequence: missense variant.
Genome position (GRCh38, 1-based): chr15:50,958,637, C>A. VCF-style: chr15-50958637-C-A. GRCh37 (hg19) VCF-style: chr15-51250834-C-A.
Other names: c.1469C>A, p.Ala490Glu (NM_001252127.2); short protein forms A565E, A490E.
Identifiers: ClinVar variation 434234 (VCV000434234.17), dbSNP rs142762839, ClinGen allele CA7559139.

ClinVar aggregate classification (germline): Conflicting classifications of pathogenicity. Review status: criteria provided, conflicting classifications (1 of 4 stars). 3 submissions from 3 submitters: Uncertain significance (1); Likely benign (2). Last evaluated 2025-08-18.

Conditions:
AP4E1-related disorder. Also called: AP4E1-related condition.
Spastic paraplegia. Identifiers: MedGen C0037772, HP:0001258.

Allele frequency attached by ClinVar (database versions not stated): TOPMed 0.00088; ESP Exome Variant Server 0.00123.
gnomAD v4.1: 201 of 1,614,132 alleles (0.012%); highest among the groups gnomAD compares: African/African-American, 0.25%; no homozygotes.

Submissions (3):

Labcorp Genetics (formerly Invitae), Labcorp
Classification: Likely benign for Spastic paraplegia. Last evaluated: 2025-08-18. Review status: criteria provided, single submitter. Criteria: Invitae Variant Classification Sherloc (09022015). Collection method: clinical testing. Allele origin: germline.

PreventionGenetics, part of Exact Sciences
Classification: Likely benign for AP4E1-related condition. Last evaluated: 2024-10-29. Review status: criteria provided, single submitter. Criteria: ACMG Guidelines, 2015. Collection method: clinical testing. Allele origin: germline.
Comment: This variant is classified as likely benign based on ACMG/AMP sequence variant interpretation guidelines (Richards et al. 2015 PMID: 25741868, with internal and published modifications).

Genetic Services Laboratory, University of Chicago
Classification: Uncertain significance. Last evaluated: 2016-11-01. Review status: criteria provided, single submitter. Criteria: ACMG Guidelines, 2015. Collection method: clinical testing. Allele origin: germline. Affected: no.